The following is an entry in ClinVar:

ClinVar aggregate classification (germline): Benign/Likely benign. Review status: criteria provided, multiple submitters, no conflicts (2 of 4 stars). 6 submissions from 6 submitters: Benign (1); Likely benign (5). Last evaluated 2025-06-16.

Conditions:
Familial thoracic aortic aneurysm and aortic dissection (TAAD). Also called: Thoracic aortic aneurysms and dissections. Identifiers: Orphanet 91387, MedGen C4707243, MONDO:0019625.
Connective tissue disorder. Also called: Connective tissue disease. Identifiers: MedGen C0009782, MONDO:0003900.
Marfan syndrome (MFS). Also called: FBN1-Related Marfan Syndrome; Marfan syndrome type 1; Marfan's syndrome; Marfan syndrome, classic; MARFAN SYNDROME, TYPE I. Identifiers: Orphanet 284963, Orphanet 558, MedGen C0024796, MONDO:0007947, OMIM 154700.

Allele frequency attached by ClinVar (database versions not stated): TOPMed 0.00007; 1000 Genomes Project 30x 0.00016; gnomAD exomes 0.00021; gnomAD 0.00004 and 0.00005; ExAC 0.00022; 1000 Genomes Project 0.00020.
gnomAD v4.1: 53 of 1,607,310 alleles (0.0033%); highest among the groups gnomAD compares: East Asian, 0.11%; 1 homozygote.

Submissions (6):

Labcorp Genetics (formerly Invitae), Labcorp
Classification: Benign for Marfan syndrome; Familial thoracic aortic aneurysm and aortic dissection. Last evaluated: 2025-06-16. Review status: criteria provided, single submitter. Criteria: Invitae Variant Classification Sherloc (09022015). Collection method: clinical testing. Allele origin: germline.

Blueprint Genetics
Classification: Likely benign. Last evaluated: 2024-09-12. Review status: criteria provided, single submitter. Criteria: ACMG Guidelines, 2015. Collection method: clinical testing. Allele origin: germline.

All of Us Research Program, National Institutes of Health
Classification: Likely benign for Marfan syndrome. Last evaluated: 2024-05-09. Review status: criteria provided, single submitter. Criteria: ACMG Guidelines, 2015. Collection method: clinical testing. Allele origin: germline. Inheritance: Autosomal dominant inheritance. Observed: 9 variant alleles, 9 heterozygotes.
Comment: This study involves interpretation of variants in research participants for the purpose of population health screening. Participant phenotype was not available at the time of variant classification. Additional details can be found in publication PMID: 35346344, PMCID: PMC8962531

Ambry Genetics
Classification: Likely benign for Familial thoracic aortic aneurysm and aortic dissection. Last evaluated: 2021-03-18. Review status: criteria provided, single submitter. Criteria: Ambry Variant Classification Scheme 2023. Collection method: clinical testing. Allele origin: germline.

Genome Diagnostics Laboratory, The Hospital for Sick Children
Classification: Likely benign for Connective tissue disorder. Last evaluated: 2019-06-01. Review status: criteria provided, single submitter. Criteria: ACMG Guidelines, 2015. Collection method: clinical testing. Allele origin: germline.

Color Diagnostics, LLC DBA Color Health
Classification: Likely benign for Familial thoracic aortic aneurysm and aortic dissection. Last evaluated: 2018-10-04. Review status: criteria provided, single submitter. Criteria: ACMG Guidelines, 2015. Collection method: clinical testing. Allele origin: germline.

NM_000138.5(FBN1):c.2753C>G (p.Pro918Arg)

Gene: FBN1 (fibrillin 1; minus strand). Cytogenetic location: 15q21.1.
Variant type: single nucleotide variant.
Coding change: c.2753C>G on transcript NM_000138.5 (MANE Select); coding-DNA position 2753, C replaced by G.
Protein change: p.Pro918Arg; replaces proline 918 with arginine.
Molecular consequence: missense variant.
Genome position (GRCh38, 1-based): chr15:48,492,562, G>C on the plus strand (C>G on the coding strand, the complement: FBN1 is on the minus strand). VCF-style: chr15-48492562-G-C. GRCh37 (hg19) VCF-style: chr15-48784759-G-C.
Other names: short protein forms P918R.
Identifiers: ClinVar variation 629374 (VCV000629374.19), dbSNP rs557798071, ClinGen allele CA048803.